The following is an entry in ClinVar:

NM_147127.5(EVC2):c.207_211dup (p.Pro71fs)

Gene: EVC2 (EvC ciliary complex subunit 2; minus strand). Cytogenetic location: 4p16.2.
Variant type: Microsatellite.
Coding change: c.207_211dup on transcript NM_147127.5 (MANE Select); coding-DNA positions 207 to 211, 5 bases duplicated (GGGGC; older notation c.207_211dupGGGGC).
Protein change: p.Pro71fs; shifts the reading frame from proline 71.
Molecular consequence: frameshift variant. On other transcripts: intron variant (1).
Genome position (GRCh38, 1-based): chr4:5,708,303-5,708,307, GCCCC duplicated on the plus strand (GGGGC on the coding strand, the reverse complement: EVC2 is on the minus strand); duplicating any 5 consecutive bases within chr4:5,708,303-5,708,314 gives the same sequence; the c. name uses the placement nearest the transcript's 3' end. VCF-style (leftmost placement, unchanged base first): chr4-5708302-G-GGCCCC. GRCh37 (hg19) VCF-style: chr4-5710029-G-GGCCCC.
Other names: c.-13+517GGGGC[3] (NM_001166136.2); short protein forms P71fs.
Identifiers: ClinVar variation 1920129 (VCV001920129.5), dbSNP rs1553855074, ClinGen allele CA2580616066.
Genomic context (GRCh38, chr4:5,708,302, plus strand): 5'-AACCACTACAGTCAGACCGGAGCCTGGGGTCGGGCCCTCCTTACCTGCGTGCTGCTCTCG[G>GGCCCC]GCCCCGCCCCGCTCCGCCCCGGAGGGATCCTCAGGCCGGGCCCAGACCTAGGAGCCACCT-3'

ClinVar aggregate classification (germline): Pathogenic (1 of 4 stars; one submission).

Conditions:
Curry-Hall syndrome (WAD). Also called: WEYERS ACRODENTAL DYSOSTOSIS. Identifiers: Orphanet 952, MedGen C0457013, MONDO:0008673, OMIM 193530.
Ellis-van Creveld syndrome (EVC). Also called: EVC-Related Ellis-van Creveld Syndrome; EVC2-Related Ellis-van Creveld Syndrome; Chondroectodermal dysplasia; MESOECTODERMAL DYSPLASIA. Identifiers: Orphanet 289, MedGen C0013903, MONDO:0009162, OMIM 225500.

Submission:

Labcorp Genetics (formerly Invitae), Labcorp
Classification: Pathogenic for Curry-Hall syndrome; Ellis-van Creveld syndrome. Last evaluated: 2022-01-06. Review status: criteria provided, single submitter. Criteria: Invitae Variant Classification Sherloc (09022015). Collection method: clinical testing. Allele origin: germline.
Comment: For these reasons, this variant has been classified as Pathogenic. This variant has not been reported in the literature in individuals affected with EVC2-related conditions. This variant is not present in population databases (gnomAD no frequency). This sequence change creates a premature translational stop signal (p.Pro71Argfs*13) in the EVC2 gene. It is expected to result in an absent or disrupted protein product. Loss-of-function variants in EVC2 are known to be pathogenic (PMID: 17024374, 19810119, 19876929).

Literature cited by the submitters: PubMed 17024374; PubMed 19810119; PubMed 19876929.